The following continues an entry in ClinVar:

NM_000257.4(MYH7):c.3981C>A (p.Asn1327Lys)

Gene: MYH7. ClinVar aggregate classification (germline): Likely benign. Likely benign (1).

Submissions 13 to 23 of 23:

CeGaT Center for Human Genetics Tuebingen
Classification: Likely benign. Last evaluated: 2018-09-30. Review status: criteria provided, single submitter. Criteria: Praxis fuer Humangenetik Tuebingen - Variant Classification Criteria. Collection method: clinical testing. Allele origin: germline. Affected: yes. Observed: 1 variant allele. Not counted in ClinVar's aggregate classification.

CHEO Genetics Diagnostic Laboratory, Children's Hospital of Eastern Ontario
Classification: Likely benign for Cardiomyopathy. Last evaluated: 2017-12-28. Review status: criteria provided, single submitter. Criteria: ACMG Guidelines, 2015. Collection method: clinical testing. Allele origin: germline. Not counted in ClinVar's aggregate classification.

ARUP Laboratories, Molecular Genetics and Genomics, ARUP Laboratories
Classification: Likely benign. Last evaluated: 2017-08-14. Review status: criteria provided, single submitter. Criteria: ARUP Molecular Germline Variant Investigation Process. Collection method: clinical testing. Allele origin: germline. Not counted in ClinVar's aggregate classification.
Comment: The p.Asn1327Lys variant (rs141764279) has been previously reported to segregate with disease in a family with hypertrophic cardiomyopathy (Hougs 2005 and Jensen 2013); however, three out of four of the affected individuals also carried a variant in MYL2. In addition, this variant has been identified in cohorts of unrelated, presumably healthy individuals (Ng 2013 and Kapplinger 2014). This variant is listed in the Genome Aggregation Database (gnomAD) browser with a frequency of 0.2% in Ashkenazi Jewish individuals (identified in 20 out of 9950 chromosomes), which is higher than expected for a pathogenic variant in MYH7. It is listed in the ClinVar database (Variation ID: 36641) as likely benign according to multiple labs, including a ClinGen expert panel. Functional data demonstrated that the p.Asn1327Lys mutant MYH7 protein expressed in adult rat cardiomyocytes had reduced incorporation into sarcomeres; however, the mutant protein did not alter contractile properties, raising questions about the physiological relevance of this reduced incorporation (Wolny 2014). Based on these observations, the p.Asn1327Lys variant is classified as likely benign.

Illumina Laboratory Services, Illumina
Classification: Benign for MYH7-related skeletal myopathy. Last evaluated: 2017-04-27. Review status: criteria provided, single submitter. Criteria: ICSL Variant Classification Criteria 13 December 2019. Collection method: clinical testing. Allele origin: germline. Not counted in ClinVar's aggregate classification.
Comment: This variant was observed as part of a predisposition screen in an ostensibly healthy population. A literature search was performed for the gene, cDNA change, and amino acid change (where applicable). No publications were found based on this search. Allele frequency data from public databases was too high to be consistent with this variant causing disease. Therefore, this variant is classified as benign.

Illumina Laboratory Services, Illumina
Classification: Uncertain significance for Hypertrophic cardiomyopathy 1. Last evaluated: 2017-04-27. Review status: criteria provided, single submitter. Criteria: ICSL Variant Classification Criteria 13 December 2019. Collection method: clinical testing. Allele origin: germline. Not counted in ClinVar's aggregate classification.
Comment: This variant was observed as part of a predisposition screen in an ostensibly healthy population. A literature search was performed for the gene, cDNA change, and amino acid change (where applicable). Publications were found based on this search. However, the evidence from the literature, in combination with allele frequency data from public databases where available, was not sufficient to rule this variant in or out of causing disease. Therefore, this variant is classified as a variant of unknown significance.

Illumina Laboratory Services, Illumina
Classification: Uncertain significance for Myosin storage myopathy. Last evaluated: 2017-04-27. Review status: criteria provided, single submitter. Criteria: ICSL Variant Classification Criteria 13 December 2019. Collection method: clinical testing. Allele origin: germline. Not counted in ClinVar's aggregate classification.

Stanford Center for Inherited Cardiovascular Disease, Stanford University
Classification: Likely benign. Last evaluated: 2016-11-04. Review status: criteria provided, single submitter. Criteria: ACMG Guidelines, 2015. Collection method: provider interpretation. Allele origin: germline. Not counted in ClinVar's aggregate classification.

Laboratory for Molecular Medicine, Mass General Brigham Personalized Medicine
Classification: Likely benign. Last evaluated: 2014-10-08. Review status: criteria provided, single submitter. Criteria: LMM Criteria. Collection method: clinical testing. Allele origin: germline. Observed: 20 variant alleles. Not counted in ClinVar's aggregate classification.
Comment: p.Asn1327Lys in exon 30 of MYH7: This variant has been reported in 1 individual with HCM who carried a second variant of unknown significance, but did not segre gate with disease in 1 affected relative (Houghs 2005, Jensen 2013). It has also been identified by our laboratory in 9 individuals with HCM, but did not segreg ate with disease in 2 individuals from 2 families (LMM unpublished data). In vit ro functional studies provide some evidence that this variant may impact protein function (Wolny 2013). However, in vitro assays may not accurately represent bi ological function. While this variant is rare in the general population (1/8598 European American chromosomes in the NHLBI Exome Sequencing Project.; rs141764279), it appears to be common amongst Ashkenazi Jewish individuals with a prevalence that greatly exceeds that of HCM (5/282 chr omosomes, 1.8%; LMM unpublished data). In summary, the frequency of this variant in the Ashkenazi Jewish population and multiple occurrences of non-segregation with disease indicate this variant is likely benign, although a modifying effect cannot be ruled out.

CSER _CC_NCGL, University of Washington
Classification: Uncertain significance for Cardiomyopathy, hypertrophic. Last evaluated: 2014-06-01. Review status: criteria provided, single submitter. Criteria: Amendola et al. (Genome Res. 2015). Collection method: research. Allele origin: germline. Inheritance: Autosomal dominant inheritance. Study: ESP 6500 variant annotation. Not counted in ClinVar's aggregate classification.
Comment: Low GERP score may suggest that this variant may belong in a lower pathogenicity class

Variants classified for the Actionable exomic incidental findings in 6503 participants: challenges of variant classification manuscript

Biesecker Lab/Clinical Genomics Section, National Institutes of Health
Classification: Uncertain significance for Cardiomyopathy, hypertrophic. Last evaluated: 2013-06-24. Review status: criteria provided, single submitter. Criteria: Ng et al. (Circ Cardiovasc Genet. 2013). Collection method: research. Allele origin: unknown. Observed: 1 variant allele. Study: ClinSeq. Not counted in ClinVar's aggregate classification.
Comment: The study set was not selected for affection status in relation to any cancer. Pathogenicity categories were based on literature curation. See Pubmed ID:23861362 for details.

Medical sequencing

PreventionGenetics, part of Exact Sciences
Classification: Likely benign for MYH7-related condition. Last evaluated: 2023-05-10. Review status: no assertion criteria provided. Collection method: clinical testing. Allele origin: germline. Not counted in ClinVar's aggregate classification.
Comment: This variant is classified as likely benign based on ACMG/AMP sequence variant interpretation guidelines (Richards et al. 2015 PMID: 25741868, with internal and published modifications).

Literature cited by the submitters: PubMed 15483641 (cited by 4 submitters); PubMed 29300372 (cited by ClinGen Cardiomyopathy Variant Curation Expert Panel); PubMed 23054336 (cited by Women's Health and Genetics/Laboratory Corporation of America, LabCorp and Illumina Laboratory Services, Illumina); PubMed 23861362 (cited by 3 submitters); PubMed 23197161 (cited by 3 submitters); PubMed 24510615 (cited by Women's Health and Genetics/Laboratory Corporation of America, LabCorp and Illumina Laboratory Services, Illumina); PubMed 24047955 (cited by 3 submitters); PubMed 26573135 (cited by Women's Health and Genetics/Laboratory Corporation of America, LabCorp and Illumina Laboratory Services, Illumina); PubMed 34542152 (cited by Women's Health and Genetics/Laboratory Corporation of America, LabCorp); PubMed 27247418 (cited by Illumina Laboratory Services, Illumina); PubMed 27153395 (cited by Illumina Laboratory Services, Illumina); PubMed 23299917 (cited by Illumina Laboratory Services, Illumina and Laboratory for Molecular Medicine, Mass General Brigham Personalized Medicine); PubMed 25637381 (cited by Illumina Laboratory Services, Illumina).